The following is an entry in ClinVar:

NM_025179.4(PLXNA2):c.1982+10T>A

Gene: PLXNA2 (plexin A2; minus strand). Cytogenetic location: 1q32.2.
Variant type: single nucleotide variant.
Coding change: c.1982+10T>A on transcript NM_025179.4 (MANE Select); 10 bases into the intron after coding-DNA position 1982, T replaced by A.
Molecular consequence: intron variant.
Genome position (GRCh38, 1-based): chr1:208,096,019, A>T on the plus strand (T>A on the coding strand, the complement: PLXNA2 is on the minus strand). VCF-style: chr1-208096019-A-T. GRCh37 (hg19) VCF-style: chr1-208269364-A-T.
Identifiers: ClinVar variation 4999280 (VCV004999280.1).
Genomic context (GRCh38, chr1:208,096,019, plus strand): 5'-AGCATCGAGGGGAAGAAAGCCCATACCCACATCCAGACCCAGAGCAAGACCCTTTCTAAT[A>T]AGCACTTACAGTTGGTGGGCACTGCAGTTGTAAAACTTGAACTCGGTGCTGACAAATATC-3'

ClinVar aggregate classification (germline): Likely benign (1 of 4 stars; one submission).

Conditions:
PLXNA2-related disorder. Also called: PLXNA2-related condition.

gnomAD v4.1: 2 of 1,601,370 alleles (0.00012%); highest among the groups gnomAD compares: African/African-American, 0.0013%; no homozygotes.

Submission:

PreventionGenetics, part of Exact Sciences
Classification: Likely benign for PLXNA2-related condition. Last evaluated: 2025-02-12. Review status: criteria provided, single submitter. Criteria: ACMG Guidelines, 2015. Collection method: clinical testing. Allele origin: germline.
Comment: This variant is classified as likely benign based on ACMG/AMP sequence variant interpretation guidelines (Richards et al. 2015 PMID: 25741868, with internal and published modifications).